The following is an entry in ClinVar:

NM_000136.3(FANCC):c.1126A>G (p.Arg376Gly)

Genes: FANCC (FA complementation group C; minus strand), AOPEP (aminopeptidase O (putative); plus strand). Cytogenetic location: 9q22.32.
Variant type: single nucleotide variant.
Coding change: c.1126A>G on transcript NM_000136.3 (MANE Select); coding-DNA position 1126, A replaced by G.
Protein change: p.Arg376Gly; replaces arginine 376 with glycine.
Molecular consequence: missense variant.
Genome position (GRCh38, 1-based): chr9:95,114,657, T>C on the plus strand (A>G on the coding strand, the complement: FANCC is on the minus strand). VCF-style: chr9-95114657-T-C. GRCh37 (hg19) VCF-style: chr9-97876939-T-C.
Other names: c.1126A>G, p.Arg376Gly (NM_001243743.2, NM_001243744.2); short protein forms R376G.
Identifiers: ClinVar variation 1799119 (VCV001799119.2), dbSNP rs2540947856, ClinGen allele CA374107964.

ClinVar aggregate classification (germline): Uncertain significance (1 of 4 stars; one submission).

Conditions:
Hereditary cancer-predisposing syndrome. Also called: Neoplastic Syndromes, Hereditary; Tumor predisposition; Hereditary Cancer Syndrome; Hereditary neoplastic syndrome. Identifiers: Orphanet 140162, MedGen C0027672, MeSH D009386, MONDO:0015356.

Submission:

Ambry Genetics
Classification: Uncertain significance for Hereditary cancer-predisposing syndrome. Last evaluated: 2020-11-17. Review status: criteria provided, single submitter. Criteria: Ambry Variant Classification Scheme 2023. Collection method: clinical testing. Allele origin: germline.
Comment: The p.R376G variant (also known as c.1126A>G), located in coding exon 11 of the FANCC gene, results from an A to G substitution at nucleotide position 1126. The arginine at codon 376 is replaced by glycine, an amino acid with dissimilar properties. This amino acid position is not well conserved in available vertebrate species. In addition, this alteration is predicted to be tolerated by in silico analysis. Since supporting evidence is limited at this time, the clinical significance of this alteration remains unclear.